The following is an entry in ClinVar:

NM_032043.3(BRIP1):c.1921A>C (p.Ile641Leu)

Gene: BRIP1 (BRCA1 interacting DNA helicase 1; minus strand). Cytogenetic location: 17q23.2.
Variant type: single nucleotide variant.
Coding change: c.1921A>C on transcript NM_032043.3 (MANE Select); coding-DNA position 1921, A replaced by C.
Protein change: p.Ile641Leu; replaces isoleucine 641 with leucine.
Molecular consequence: missense variant.
Genome position (GRCh38, 1-based): chr17:61,780,275, T>G on the plus strand (A>C on the coding strand, the complement: BRIP1 is on the minus strand). VCF-style: chr17-61780275-T-G. GRCh37 (hg19) VCF-style: chr17-59857636-T-G.
Other names: short protein forms I641L.
Identifiers: ClinVar variation 3993136 (VCV003993136.1).

ClinVar aggregate classification (germline): Uncertain significance (1 of 4 stars; one submission).

Conditions:
Hereditary cancer-predisposing syndrome. Also called: Tumor predisposition; Hereditary neoplastic syndrome; Neoplastic Syndromes, Hereditary; Hereditary Cancer Syndrome. Identifiers: Orphanet 140162, MedGen C0027672, MeSH D009386, MONDO:0015356.

Submission:

Ambry Genetics
Classification: Uncertain significance for Hereditary cancer-predisposing syndrome. Last evaluated: 2025-04-06. Review status: criteria provided, single submitter. Criteria: Ambry Variant Classification Scheme 2023. Collection method: clinical testing. Allele origin: germline.
Comment: The p.I641L variant (also known as c.1921A>C), located in coding exon 12 of the BRIP1 gene, results from an A to C substitution at nucleotide position 1921. The isoleucine at codon 641 is replaced by leucine, an amino acid with highly similar properties. This amino acid position is conserved. In addition, the in silico prediction for this alteration is inconclusive. Based on the available evidence, the clinical significance of this variant remains unclear.